The following is an entry in ClinVar:

ClinVar aggregate classification (germline): Uncertain significance (1 of 4 stars; one submission).

Conditions:
STAT3-related disorder. Also called: STAT3-related condition.

gnomAD v4.1: 45 of 1,613,400 alleles (0.0028%); highest among the groups gnomAD compares: Non-Finnish European, 0.0036%; no homozygotes.

Submission:

PreventionGenetics, part of Exact Sciences
Classification: Uncertain significance for STAT3-related condition. Last evaluated: 2025-02-13. Review status: criteria provided, single submitter. Criteria: ACMG Guidelines, 2015. Collection method: clinical testing. Allele origin: germline.
Comment: The STAT3 c.-1-2A>G variant is located in the 5' untranslated region. Using the canonical transcript, NM_139276, this variant is also c.-3A>G. This variant is predicted to alter splicing based on available splicing prediction programs (SpliceAI, Jaganathan et al. 2019. PubMed ID: 30661751). However, the use of computer prediction programs is not equivalent to functional evidence. To our knowledge, this variant has not been reported in the literature. This variant has been noted to segregate with autoimmune disease in two siblings; however, it has also been identified in multiple individuals who do not have symptoms of an autoimmune disorder (Internal data, PreventionGenetics). This variant was reported in 0.0046% of alleles in individuals of European (non-Finnish) descent in gnomAD v2 (as displayed in the table above). However, in gnomAD v4 (available only on GRCh38), this variant is reported in 45 alleles out of 1,613,400 alleles total. At this time, the clinical significance of this variant is uncertain due to the absence of conclusive functional and genetic evidence.

NM_139276.3(STAT3):c.-3A>G

Gene: STAT3 (signal transducer and activator of transcription 3; minus strand). Cytogenetic location: 17q21.2.
Variant type: single nucleotide variant.
Coding change: c.-3A>G on transcript NM_139276.3 (MANE Select); 3 bases upstream of the start codon, A replaced by G.
Molecular consequence: 5 prime UTR variant. On other transcripts: splice acceptor variant (7).
Genome position (GRCh38, 1-based): chr17:42,348,519, T>C on the plus strand (A>G on the coding strand, the complement: STAT3 is on the minus strand). VCF-style: chr17-42348519-T-C. GRCh37 (hg19) VCF-style: chr17-40500537-T-C.
Other names: c.-3A>G (NM_001369513.1, NM_001369514.1, NM_001369516.1 and 10 more transcripts); c.-1-2A>G (NM_001384989.1, NM_001384992.1, NM_001384984.1 and 4 more transcripts).
Identifiers: ClinVar variation 4981393 (VCV004981393.1).